The following is an entry in ClinVar:

ClinVar aggregate classification (germline): Pathogenic (1 of 4 stars; one submission).

Submission:

Quest Diagnostics Nichols Institute San Juan Capistrano
Classification: Pathogenic. Last evaluated: 2026-06-05. Review status: criteria provided, single submitter. Criteria: ACMG/ClinGen CNV Guidelines, 2019. Collection method: clinical testing. Allele origin: unknown.
Comment: This copy number loss involves DNMT3A (OMIM 602769). Haploinsufficiency of DNMT3A is associated with autosomal dominant Tatton-Brown-Rahman syndrome (TBRS; OMIM 615879, CCID:007022), which is characterized by overgrowth, intellectual disability, joint hypermobility, hypotonia, behavioral issues, kyphoscoliosis, and seizures, as well as subtle dysmorphic features (Ostrowski 2020). Heterozygous deletions overlapping with the current interval have been reported in individuals with features of TBRS (Magee 2025, Okamoto 2016, Totten 2024). Thus, based on current medical literature, this copy number variant (CNV) is classified as pathogenic.

Literature cited by the submitters: PubMed 39695270; PubMed 26866722; PubMed 35771960; PubMed 38960581.

GRCh37/hg19 2p23.3(chr2:24710112-25987357)x1

Genes: ADCY3 (adenylate cyclase 3; minus strand), ASXL2 (ASXL transcriptional regulator 2; minus strand), CENPO (centromere protein O; plus strand), DNAJC27 (DnaJ heat shock protein family (Hsp40) member C27; minus strand), DNMT3A (DNA methyltransferase 3 alpha; minus strand) and 5 more. Cytogenetic location: 2p23.3.
Variant type: copy number loss.
Change: copy number 1 (one copy instead of two) of chr2:24,710,112-25,987,357 (1.28 Mb, GRCh37 coordinates, 1-based), cytogenetic band 2p23.3.
Identifiers: ClinVar variation 814224 (VCV000814224.2).